The following is an entry in ClinVar:

ClinVar aggregate classification (germline): Uncertain significance (1 of 4 stars; one submission).

Conditions:
Brugada syndrome 5 (BRGDA5). Identifiers: Orphanet 130, Orphanet 871, MedGen C2748541, MONDO:0013015, OMIM 612838.

Submission:

Labcorp Genetics (formerly Invitae), Labcorp
Classification: Uncertain significance for Brugada syndrome 5. Last evaluated: 2023-06-28. Review status: criteria provided, single submitter. Criteria: Invitae Variant Classification Sherloc (09022015). Collection method: clinical testing. Allele origin: germline.
Comment: In summary, the available evidence is currently insufficient to determine the role of this variant in disease. Therefore, it has been classified as a Variant of Uncertain Significance. Experimental studies and prediction algorithms are not available or were not evaluated, and the functional significance of this variant is currently unknown. This variant has not been reported in the literature in individuals affected with SCN1B-related conditions. This variant is not present in population databases (gnomAD no frequency). This sequence change replaces tryptophan, which is neutral and slightly polar, with arginine, which is basic and polar, at codon 173 of the SCN1B protein (p.Trp173Arg). The SCN1B gene has multiple clinically relevant transcripts. This variant occurs in alternate transcript NM_001037.5, and corresponds to NM_199037.3:c.*5087T>C in the primary transcript.

NM_001037.5(SCN1B):c.517T>C (p.Trp173Arg)

Gene: SCN1B (sodium voltage-gated channel beta subunit 1; plus strand). Cytogenetic location: 19q13.11.
Variant type: single nucleotide variant.
Coding change: c.517T>C on transcript NM_001037.5 (MANE Select); coding-DNA position 517, T replaced by C.
Protein change: p.Trp173Arg; replaces tryptophan 173 with arginine.
Molecular consequence: missense variant.
Genome position (GRCh38, 1-based): chr19:35,039,185, T>C. VCF-style: chr19-35039185-T-C. GRCh37 (hg19) VCF-style: chr19-35530089-T-C.
Other names: c.418T>C, p.Trp140Arg (NM_001321605.2); short protein forms W140R, W173R.
Identifiers: ClinVar variation 2775571 (VCV002775571.3), dbSNP rs2514240905, ClinGen allele CA405330038.